The following is an entry in ClinVar:

NM_018089.3(ANKZF1):c.152C>T (p.Ser51Leu)

Gene: ANKZF1 (ankyrin repeat and zinc finger peptidyl tRNA hydrolase 1; plus strand). Cytogenetic location: 2q35.
Variant type: single nucleotide variant.
Coding change: c.152C>T on transcript NM_018089.3 (MANE Select); coding-DNA position 152, C replaced by T.
Protein change: p.Ser51Leu; replaces serine 51 with leucine.
Molecular consequence: missense variant. On other transcripts: intron variant (1).
Genome position (GRCh38, 1-based): chr2:219,231,931, C>T. VCF-style: chr2-219231931-C-T. GRCh37 (hg19) VCF-style: chr2-220096653-C-T.
Other names: c.152C>T, p.Ser51Leu (NM_001042410.2); c.-266-559C>T (NM_001282792.2); c.152C>T (NM_018089.2); short protein forms S51L.
Identifiers: ClinVar variation 1428685 (VCV001428685.9), dbSNP rs370759069, ClinGen allele CA2120662.

ClinVar aggregate classification (germline): Uncertain significance. Review status: criteria provided, multiple submitters, no conflicts (2 of 4 stars). 2 submissions from 2 submitters: Uncertain significance (2). Last evaluated 2026-01-12.

Allele frequency attached by ClinVar (database versions not stated): gnomAD 0.00003 and 0.00004; gnomAD exomes 0.00003 and 0.00006; ESP Exome Variant Server 0.00008; ExAC 0.00011.
gnomAD v4.1: 49 of 1,612,984 alleles (0.003%); highest among the groups gnomAD compares: Middle Eastern, 0.016%; no homozygotes.

Submissions (2):

Labcorp Genetics (formerly Invitae), Labcorp
Classification: Uncertain significance. Last evaluated: 2026-01-12. Review status: criteria provided, single submitter. Criteria: Invitae Variant Classification Sherloc (09022015). Collection method: clinical testing. Allele origin: germline.
Comment: This sequence change replaces serine, which is neutral and polar, with leucine, which is neutral and non-polar, at codon 51 of the ANKZF1 protein (p.Ser51Leu). This variant is present in population databases (rs370759069, gnomAD 0.01%). This variant has not been reported in the literature in individuals affected with ANKZF1-related conditions. ClinVar contains an entry for this variant (Variation ID: 1428685). An algorithm developed to predict the effect of missense changes on protein structure and function outputs the following: PolyPhen-2: "Benign". The leucine amino acid residue is found in multiple mammalian species, which suggests that this missense change does not adversely affect protein function. Algorithms developed to predict the effect of sequence changes on RNA splicing suggest that this variant may disrupt the consensus splice site. In summary, the available evidence is currently insufficient to determine the role of this variant in disease. Therefore, it has been classified as a Variant of Uncertain Significance.

Ambry Genetics
Classification: Uncertain significance. Last evaluated: 2023-08-21. Review status: criteria provided, single submitter. Criteria: Ambry Variant Classification Scheme 2023. Collection method: clinical testing. Allele origin: germline.